The following is an entry in ClinVar:

ClinVar aggregate classification (germline): Uncertain significance (1 of 4 stars; one submission).

Conditions:
Hereditary cancer-predisposing syndrome. Also called: Neoplastic Syndromes, Hereditary; Tumor predisposition; Hereditary neoplastic syndrome; Hereditary Cancer Syndrome. Identifiers: Orphanet 140162, MedGen C0027672, MeSH D009386, MONDO:0015356.

Submission:

Ambry Genetics
Classification: Uncertain significance for Hereditary cancer-predisposing syndrome. Last evaluated: 2026-07-06. Review status: criteria provided, single submitter. Criteria: Ambry Variant Classification Scheme 2023. Collection method: clinical testing. Allele origin: germline.
Comment: The p.A183G variant (also known as c.548C>G), located in coding exon 5 of the NBN gene, results from a C to G substitution at nucleotide position 548. The alanine at codon 183 is replaced by glycine, an amino acid with similar properties. This amino acid position is conserved. In addition, this alteration is predicted to be tolerated by in silico analysis. Based on the available evidence, the clinical significance of this variant remains unclear.

NM_002485.5(NBN):c.548C>G (p.Ala183Gly)

Gene: NBN (nibrin; minus strand). Cytogenetic location: 8q21.3.
Variant type: single nucleotide variant.
Coding change: c.548C>G on transcript NM_002485.5 (MANE Select); coding-DNA position 548, C replaced by G.
Protein change: p.Ala183Gly; replaces alanine 183 with glycine.
Molecular consequence: missense variant.
Genome position (GRCh38, 1-based): chr8:89,978,256, G>C on the plus strand (C>G on the coding strand, the complement: NBN is on the minus strand). VCF-style: chr8-89978256-G-C. GRCh37 (hg19) VCF-style: chr8-90990484-G-C.
Other names: c.302C>G, p.Ala101Gly (NM_001024688.3, NM_001440379.1, NM_001440380.1); short protein forms A183G, A101G.
Identifiers: ClinVar variation 5025395 (VCV005025395.1).
Genomic context (GRCh38, chr8:89,978,256, plus strand): 5'-TTATATTTAAAATACATAATATACCTTTCAATTTGTGGAGGCTGCTTCTTGGACTCAACT[G>C]CTTTCAGGAATTCAGTAAAATATTCTGGCTTTACAATTGGACGTCCACAAATGAGTGCAC-3'
Protein context (NP_002476.2, residues 173-193): KPEYFTEFLK[Ala183Gly]VESKKQPPQI